The following is an entry in ClinVar:

ClinVar aggregate classification (germline): Uncertain significance. Review status: criteria provided, multiple submitters, no conflicts (2 of 4 stars). 4 submissions from 4 submitters: Uncertain significance (4). Last evaluated 2026-05-27.

Conditions:
Heart defect - tongue hamartoma - polysyndactyly syndrome. Also called: Congenital heart defects, hamartomas of tongue, and polysyndactyly. Identifiers: Orphanet 1338, MedGen C1857587, MONDO:0009008, OMIM 217085.
Bardet-Biedl syndrome 15 (BBS15). Identifiers: Orphanet 110, MedGen C3150127, MONDO:0014443, OMIM 615992.
WDPCP-related disorder. Also called: WDPCP-related condition.
Bardet-Biedl syndrome (BBS). Identifiers: Orphanet 110, MedGen C0752166, MONDO:0015229.
Inborn genetic diseases. Identifiers: MedGen C0950123, MeSH D030342.

Allele frequency attached by ClinVar (database versions not stated): gnomAD exomes below 0.00001; gnomAD 0.00001; TOPMed 0.00001.
gnomAD v4.1: 17 of 1,614,026 alleles (0.0011%); highest among the groups gnomAD compares: East Asian, 0.0045%; no homozygotes.

Submissions (4):

PreventionGenetics, part of Exact Sciences
Classification: Uncertain significance for WDPCP-related condition. Last evaluated: 2026-05-27. Review status: criteria provided, single submitter. Criteria: ACMG Guidelines, 2015. Collection method: clinical testing. Allele origin: germline.
Comment: The WDPCP c.1331T>G variant is predicted to result in the amino acid substitution p.Ile444Arg. To our knowledge, this variant has not been reported in the literature. This variant is reported in 0.064% of alleles in individuals of East Asian descent in gnomAD. At this time, the clinical significance of this variant is uncertain due to the absence of conclusive functional and genetic evidence.

Ambry Genetics
Classification: Uncertain significance for Inborn genetic diseases. Last evaluated: 2025-05-19. Review status: criteria provided, single submitter. Criteria: Ambry Variant Classification Scheme 2023. Collection method: clinical testing. Allele origin: germline.

Labcorp Genetics (formerly Invitae), Labcorp
Classification: Uncertain significance for Bardet-Biedl syndrome. Last evaluated: 2024-12-12. Review status: criteria provided, single submitter. Criteria: Invitae Variant Classification Sherloc (09022015). Collection method: clinical testing. Allele origin: germline.
Comment: This sequence change replaces isoleucine, which is neutral and non-polar, with arginine, which is basic and polar, at codon 444 of the WDPCP protein (p.Ile444Arg). This variant is present in population databases (rs373940251, gnomAD 0.06%). This variant has not been reported in the literature in individuals affected with WDPCP-related conditions. ClinVar contains an entry for this variant (Variation ID: 842238). Invitae Evidence Modeling of protein sequence and biophysical properties (such as structural, functional, and spatial information, amino acid conservation, physicochemical variation, residue mobility, and thermodynamic stability) indicates that this missense variant is not expected to disrupt WDPCP protein function with a negative predictive value of 80%. In summary, the available evidence is currently insufficient to determine the role of this variant in disease. Therefore, it has been classified as a Variant of Uncertain Significance.

Fulgent Genetics
Classification: Uncertain significance for Heart defect - tongue hamartoma - polysyndactyly syndrome; Bardet-Biedl syndrome 15. Last evaluated: 2024-05-13. Review status: criteria provided, single submitter. Criteria: ACMG Guidelines, 2015. Collection method: clinical testing. Allele origin: germline.

NM_015910.7(WDPCP):c.1331T>G (p.Ile444Arg)

Gene: WDPCP (WD repeat containing planar cell polarity effector; minus strand). Cytogenetic location: 2p15.
Variant type: single nucleotide variant.
Coding change: c.1331T>G on transcript NM_015910.7 (MANE Select); coding-DNA position 1331, T replaced by G.
Protein change: p.Ile444Arg; replaces isoleucine 444 with arginine.
Molecular consequence: missense variant. On other transcripts: non-coding transcript variant (3).
Genome position (GRCh38, 1-based): chr2:63,404,152, A>C on the plus strand (T>G on the coding strand, the complement: WDPCP is on the minus strand). VCF-style: chr2-63404152-A-C. GRCh37 (hg19) VCF-style: chr2-63631287-A-C.
Other names: c.854T>G, p.Ile285Arg (NM_001042692.3); c.1259T>G, p.Ile420Arg (NM_001354044.2); c.1331T>G, p.Ile444Arg (NM_001354045.2); short protein forms I285R, I420R, I444R.
Identifiers: ClinVar variation 842238 (VCV000842238.12), dbSNP rs373940251, ClinGen allele CA49233663.